The following is an entry in ClinVar:

NM_001127222.2(CACNA1A):c.2624C>T (p.Ala875Val)

Gene: CACNA1A (calcium voltage-gated channel subunit alpha1 A; minus strand). Cytogenetic location: 19p13.13.
Variant type: single nucleotide variant.
Coding change: c.2624C>T on transcript NM_001127222.2 (MANE Select); coding-DNA position 2624, C replaced by T.
Protein change: p.Ala875Val; replaces alanine 875 with valine.
Molecular consequence: missense variant.
Genome position (GRCh38, 1-based): chr19:13,299,009, G>A on the plus strand (C>T on the coding strand, the complement: CACNA1A is on the minus strand). VCF-style: chr19-13299009-G-A. GRCh37 (hg19) VCF-style: chr19-13409823-G-A.
Other names: c.2636C>T, p.Ala879Val (NM_000068.4, NM_023035.3); c.2627C>T, p.Ala876Val (NM_001127221.2, NM_001174080.2); short protein forms A876V, A879V, A875V.
Identifiers: ClinVar variation 1473010 (VCV001473010.8), dbSNP rs1309338929, ClinGen allele CA404343052.

ClinVar aggregate classification (germline): Uncertain significance (1 of 4 stars; one submission).

Conditions:
Developmental and epileptic encephalopathy, 42 (DEE42A). Also called: DEVELOPMENTAL AND EPILEPTIC ENCEPHALOPATHY 42A; EPILEPTIC ENCEPHALOPATHY, EARLY INFANTILE, 42A; Epileptic encephalopathy, early infantile, 42. Identifiers: MedGen C4310716, MONDO:0014917, OMIM 617106.
Episodic ataxia type 2 (EA2). Also called: ATAXIA, EPISODIC, WITH NYSTAGMUS; ATAXIA, FAMILIAL PAROXYSMAL; CEREBELLAR ATAXIA, PAROXYSMAL, ACETAZOLAMIDE-RESPONSIVE; CEREBELLOPATHY, HEREDITARY PAROXYSMAL; EPISODIC ATAXIA, NYSTAGMUS-ASSOCIATED; ACETAZOLAMIDE-RESPONSIVE HEREDITARY PAROXYSMAL CEREBELLAR ATAXIA. Identifiers: Orphanet 97, MedGen C1720416, MONDO:0007163, OMIM 108500.

Allele frequency attached by ClinVar (database versions not stated): gnomAD 0.00001.

Submission:

Labcorp Genetics (formerly Invitae), Labcorp
Classification: Uncertain significance for Developmental and epileptic encephalopathy, 42; Episodic ataxia type 2. Last evaluated: 2023-10-17. Review status: criteria provided, single submitter. Criteria: Invitae Variant Classification Sherloc (09022015). Collection method: clinical testing. Allele origin: germline.
Comment: This sequence change replaces alanine, which is neutral and non-polar, with valine, which is neutral and non-polar, at codon 876 of the CACNA1A protein (p.Ala876Val). This variant is present in population databases (no rsID available, gnomAD 0.007%). This variant has not been reported in the literature in individuals affected with CACNA1A-related conditions. ClinVar contains an entry for this variant (Variation ID: 1473010). Advanced modeling of protein sequence and biophysical properties (such as structural, functional, and spatial information, amino acid conservation, physicochemical variation, residue mobility, and thermodynamic stability) performed at Invitae indicates that this missense variant is not expected to disrupt CACNA1A protein function. In summary, the available evidence is currently insufficient to determine the role of this variant in disease. Therefore, it has been classified as a Variant of Uncertain Significance.